The following is an entry in ClinVar:

NM_021930.6(RINT1):c.1066C>G (p.Gln356Glu)

Gene: RINT1 (RAD50 interactor 1; plus strand). Cytogenetic location: 7q22.3.
Variant type: single nucleotide variant.
Coding change: c.1066C>G on transcript NM_021930.6 (MANE Select); coding-DNA position 1066, C replaced by G.
Protein change: p.Gln356Glu; replaces glutamine 356 with glutamic acid.
Molecular consequence: missense variant. On other transcripts: non-coding transcript variant (1).
Genome position (GRCh38, 1-based): chr7:105,550,124, C>G. VCF-style: chr7-105550124-C-G. GRCh37 (hg19) VCF-style: chr7-105190571-C-G.
Other names: c.43C>G, p.Gln15Glu (NM_001346600.2, NM_001346603.2); c.142C>G, p.Gln48Glu (NM_001346601.2); c.832C>G, p.Gln278Glu (NM_001346599.2); short protein forms Q15E, Q278E, Q356E, Q48E.
Identifiers: ClinVar variation 5028255 (VCV005028255.1).

ClinVar aggregate classification (germline): Uncertain significance (1 of 4 stars; one submission).

Submission:

Ambry Genetics
Classification: Uncertain significance. Last evaluated: 2026-08-28. Review status: criteria provided, single submitter. Criteria: Ambry Variant Classification Scheme 2023. Collection method: clinical testing. Allele origin: germline.
Comment: The p.Q356E variant (also known as c.1066C>G), located in coding exon 8 of the RINT1 gene, results from a C to G substitution at nucleotide position 1066. The glutamine at codon 356 is replaced by glutamic acid, an amino acid with highly similar properties. This amino acid position is conserved. In addition, this alteration is predicted to be deleterious by in silico analysis. Based on the available evidence, the clinical significance of this variant remains unclear.